The following is an entry in ClinVar:

ClinVar aggregate classification (germline): Conflicting classifications of pathogenicity. Review status: criteria provided, conflicting classifications (1 of 4 stars). 5 submissions from 5 submitters: Uncertain significance (4); Likely benign (1). Last evaluated 2026-01-04.

Conditions:
Hereditary cancer-predisposing syndrome. Also called: Hereditary neoplastic syndrome; Tumor predisposition; Neoplastic Syndromes, Hereditary; Hereditary Cancer Syndrome. Identifiers: Orphanet 140162, MedGen C0027672, MeSH D009386, MONDO:0015356.
XRCC2-related disorder. Also called: XRCC2-related condition.

Allele frequency attached by ClinVar (database versions not stated): ExAC 0.00001; gnomAD 0.00001; gnomAD exomes 0.00001 and 0.00003; TOPMed 0.00001.
gnomAD v4.1: 39 of 1,613,716 alleles (0.0024%); highest among the groups gnomAD compares: Non-Finnish European, 0.0032%; no homozygotes.

Submissions (5):

Labcorp Genetics (formerly Invitae), Labcorp
Classification: Uncertain significance. Last evaluated: 2026-01-04. Review status: criteria provided, single submitter. Criteria: Invitae Variant Classification Sherloc (09022015). Collection method: clinical testing. Allele origin: germline.
Comment: This sequence change replaces serine, which is neutral and polar, with glycine, which is neutral and non-polar, at codon 3 of the XRCC2 protein (p.Ser3Gly). This variant is present in population databases (rs762701579, gnomAD 0.003%). This missense change has been observed in individual(s) with clinical features of XRCC2-related conditions (PMID: 31159747). ClinVar contains an entry for this variant (Variation ID: 418820). An algorithm developed to predict the effect of missense changes on protein structure and function outputs the following: PolyPhen-2: "Benign". The glycine amino acid residue is found in multiple mammalian species, which suggests that this missense change does not adversely affect protein function. In summary, the available evidence is currently insufficient to determine the role of this variant in disease. Therefore, it has been classified as a Variant of Uncertain Significance.

GeneDx
Classification: Uncertain significance. Last evaluated: 2024-12-09. Review status: criteria provided, single submitter. Criteria: GeneDx Variant Classification Process June 2021. Collection method: clinical testing. Allele origin: germline. Affected: yes.
Comment: Observed in an individual with personal or family history of breast and/or ovarian cancer (PMID: 31159747); In silico analysis indicates that this missense variant does not alter protein structure/function; Variants in candidate genes are classified as variants of uncertain significance in accordance with ACMG guidelines (PMID: 25741868); This variant is associated with the following publications: (PMID: 31159747)

Ambry Genetics
Classification: Likely benign for Hereditary cancer-predisposing syndrome. Last evaluated: 2024-03-08. Review status: criteria provided, single submitter. Criteria: Ambry Variant Classification Scheme 2023. Collection method: clinical testing. Allele origin: germline.

PreventionGenetics, part of Exact Sciences
Classification: Uncertain significance for XRCC2-related condition. Last evaluated: 2022-12-22. Review status: criteria provided, single submitter. Criteria: ACMG Guidelines, 2015. Collection method: clinical testing. Allele origin: germline.
Comment: The XRCC2 c.7A>G variant is predicted to result in the amino acid substitution p.Ser3Gly. This variant was reported with uncertain significance in study of individuals with a personal or family history of breast and/or ovarian cancer (Supplemental Table S5, Tsaousis et al. 2019. PubMed ID: 31159747). This variant is reported in 0.0031% of alleles in individuals of European (Non-Finnish) descent in gnomAD and is reported as uncertain in ClinVar. At this time, the clinical significance of this variant is uncertain due to the absence of conclusive functional and genetic evidence.

GeneKor MSA
Classification: Uncertain significance for Hereditary cancer-predisposing syndrome. Last evaluated: 2018-08-01. Review status: criteria provided, single submitter. Criteria: ACMG Guidelines, 2015. Collection method: clinical testing. Allele origin: germline. Affected: no.

Literature cited by the submitters: PubMed 31159747 (cited by Labcorp Genetics (formerly Invitae), Labcorp and Ambry Genetics).

NM_005431.2(XRCC2):c.7A>G (p.Ser3Gly)

Gene: XRCC2 (X-ray repair cross complementing 2; minus strand). Cytogenetic location: 7q36.1.
Variant type: single nucleotide variant.
Coding change: c.7A>G on transcript NM_005431.2 (MANE Select); coding-DNA position 7, A replaced by G.
Protein change: p.Ser3Gly; replaces serine 3 with glycine.
Molecular consequence: missense variant.
Genome position (GRCh38, 1-based): chr7:152,676,073, T>C on the plus strand (A>G on the coding strand, the complement: XRCC2 is on the minus strand). VCF-style: chr7-152676073-T-C. GRCh37 (hg19) VCF-style: chr7-152373158-T-C.
Other names: short protein forms S3G.
Identifiers: ClinVar variation 418820 (VCV000418820.18), dbSNP rs762701579, ClinGen allele CA4582449.